The following is an entry in ClinVar:

NM_014874.4(MFN2):c.1951A>G (p.Thr651Ala)

Gene: MFN2 (mitofusin 2; plus strand). Cytogenetic location: 1p36.22.
Variant type: single nucleotide variant.
Coding change: c.1951A>G on transcript NM_014874.4 (MANE Select); coding-DNA position 1951, A replaced by G.
Protein change: p.Thr651Ala; replaces threonine 651 with alanine.
Molecular consequence: missense variant.
Genome position (GRCh38, 1-based): chr1:12,007,131, A>G. VCF-style: chr1-12007131-A-G. GRCh37 (hg19) VCF-style: chr1-12067188-A-G.
Other names: p.T651A:ACC>GCC; c.1951A>G, p.Thr651Ala (NM_001127660.2); short protein forms T651A.
Identifiers: ClinVar variation 214647 (VCV000214647.7), dbSNP rs772756022, ClinGen allele CA320859.
Genomic context (GRCh38, chr1:12,007,131, plus strand): 5'-TGGCGGCTCATTGCCCTCTCCTTTGGGCTCTATGGCCTCCTCTACGTCTATGAGCGTCTG[A>G]CCTGGACCACCAAGGCCAAGGAGAGGGCCTTCAAGCGCCAGTTTGTGGAGCATGCCAGCG-3'
Protein context (NP_055689.1, residues 641-661): YGLLYVYERL[Thr651Ala]WTTKAKERAF

ClinVar aggregate classification (germline): Uncertain significance. Review status: criteria provided, multiple submitters, no conflicts (2 of 4 stars). 3 submissions from 3 submitters: Uncertain significance (3). Last evaluated 2025-11-11.

Conditions:
MFN2-related disorder. Also called: MFN2-related condition; MFN2-related disorders.
Charcot-Marie-Tooth disease type 2. Also called: Charcot-Marie-Tooth type 2. Identifiers: Orphanet 64746, MedGen C0270914, MONDO:0018993.

Allele frequency attached by ClinVar (database versions not stated): ExAC 0.00001; gnomAD exomes 0.00001.
gnomAD v4.1: 3 of 1,614,128 alleles (0.00019%); highest among the groups gnomAD compares: Admixed American, 0.005%; no homozygotes.

Submissions (3):

PreventionGenetics, part of Exact Sciences
Classification: Uncertain significance for MFN2-related condition. Last evaluated: 2025-11-11. Review status: criteria provided, single submitter. Criteria: ACMG Guidelines, 2015. Collection method: clinical testing. Allele origin: germline.
Comment: The MFN2 c.1951A>G variant is predicted to result in the amino acid substitution p.Thr651Ala. To our knowledge, this variant has not been reported in the literature. This variant is reported in 0.0058% of alleles in individuals of Latino descent in gnomAD. At this time, the clinical significance of this variant is uncertain due to the absence of conclusive functional and genetic evidence.

Labcorp Genetics (formerly Invitae), Labcorp
Classification: Uncertain significance for Charcot-Marie-Tooth disease type 2. Last evaluated: 2025-06-06. Review status: criteria provided, single submitter. Criteria: Invitae Variant Classification Sherloc (09022015). Collection method: clinical testing. Allele origin: germline.
Comment: This sequence change replaces threonine, which is neutral and polar, with alanine, which is neutral and non-polar, at codon 651 of the MFN2 protein (p.Thr651Ala). This variant is present in population databases (rs772756022, gnomAD 0.006%). This variant has not been reported in the literature in individuals affected with MFN2-related conditions. ClinVar contains an entry for this variant (Variation ID: 214647). Invitae Evidence Modeling of protein sequence and biophysical properties (such as structural, functional, and spatial information, amino acid conservation, physicochemical variation, residue mobility, and thermodynamic stability) has been performed for this missense variant. However, the output from this modeling did not meet the statistical confidence thresholds required to predict the impact of this variant on MFN2 protein function. In summary, the available evidence is currently insufficient to determine the role of this variant in disease. Therefore, it has been classified as a Variant of Uncertain Significance.

GeneDx
Classification: Uncertain significance. Last evaluated: 2014-01-06. Review status: criteria provided, single submitter. Criteria: GeneDx Variant Classification (06012015). Collection method: clinical testing. Allele origin: germline. Affected: yes.
Comment: p.Thr651Ala (ACC>GCC): c.1951 A>G in exon 17 of the MFN2 gene (NM_014874.3). The T651A missense substitution has not been published as a mutation, nor has it been reported as a benign polymorphism to our knowledge. The T651A variant is a non-conservative amino acid substitution as these residues differ in polarity, charge, size and/or other properties and is more likely to impact secondary structure. This substitution occurs at a position in the MFN2 protein that is conserved in mammals. In-silico analyses are inconsistent in their predictions of whether or not T651A is damaging to the function of the MFN2 protein. Therefore, based on the currently available information, it is unclear whether T651A is a disease-causing mutation or a rare benign variant. The variant is found in MITONUC-MITOP panel(s).